The following is an entry in ClinVar:

ClinVar aggregate classification (germline): Uncertain significance. Review status: criteria provided, multiple submitters, no conflicts (2 of 4 stars). 2 submissions from 2 submitters: Uncertain significance (2). Last evaluated 2026-07-26.

Conditions:
RASopathy. Also called: Noonan spectrum disorder; rasopathies. Identifiers: Orphanet 536391, MedGen C5555857, MONDO:0021060.
Cardiovascular phenotype. Identifiers: MedGen CN230736.

Submissions (2):

Ambry Genetics
Classification: Uncertain significance for Cardiovascular phenotype. Last evaluated: 2026-07-26. Review status: criteria provided, single submitter. Criteria: Ambry Variant Classification Scheme 2023. Collection method: clinical testing. Allele origin: germline.
Comment: The p.S582T variant (also known as c.1744T>A), located in coding exon 10 of the SOS1 gene, results from a T to A substitution at nucleotide position 1744. The serine at codon 582 is replaced by threonine, an amino acid with similar properties. This amino acid position is conserved. In addition, this alteration is predicted to be tolerated by in silico analysis. Based on the available evidence, the clinical significance of this variant remains unclear.

Labcorp Genetics (formerly Invitae), Labcorp
Classification: Uncertain significance for RASopathy. Last evaluated: 2026-01-05. Review status: criteria provided, single submitter. Criteria: Invitae Variant Classification Sherloc (09022015). Collection method: clinical testing. Allele origin: germline.
Comment: This sequence change replaces serine, which is neutral and polar, with threonine, which is neutral and polar, at codon 582 of the SOS1 protein (p.Ser582Thr). This variant is not present in population databases (gnomAD no frequency). This variant has not been reported in the literature in individuals affected with SOS1-related conditions. ClinVar contains an entry for this variant (Variation ID: 3681273). Invitae Evidence Modeling of protein sequence and biophysical properties (such as structural, functional, and spatial information, amino acid conservation, physicochemical variation, residue mobility, and thermodynamic stability) has been performed for this missense variant. However, the output from this modeling did not meet the statistical confidence thresholds required to predict the impact of this variant on SOS1 protein function. In summary, the available evidence is currently insufficient to determine the role of this variant in disease. Therefore, it has been classified as a Variant of Uncertain Significance.

NM_005633.4(SOS1):c.1744T>A (p.Ser582Thr)

Gene: SOS1 (SOS Ras/Rac guanine nucleotide exchange factor 1; minus strand). Cytogenetic location: 2p22.1.
Variant type: single nucleotide variant.
Coding change: c.1744T>A on transcript NM_005633.4 (MANE Select); coding-DNA position 1744, T replaced by A.
Protein change: p.Ser582Thr; replaces serine 582 with threonine.
Molecular consequence: missense variant.
Genome position (GRCh38, 1-based): chr2:39,022,684, A>T on the plus strand (T>A on the coding strand, the complement: SOS1 is on the minus strand). VCF-style: chr2-39022684-A-T. GRCh37 (hg19) VCF-style: chr2-39249825-A-T.
Other names: c.1723T>A, p.Ser575Thr (NM_001382394.1); c.1744T>A, p.Ser582Thr (NM_001382395.1); short protein forms S575T, S582T.
Identifiers: ClinVar variation 3681273 (VCV003681273.3).